The following is an entry in ClinVar:

ClinVar aggregate classification (germline): Pathogenic (1 of 4 stars; one submission).

Conditions:
Telangiectasia, hereditary hemorrhagic, type 2 (HHT2). Also called: ACVRL1-Related Hereditary Hemorrhagic Telangiectasia; Telangiectasia, hereditary hemorrhagic, type II. Identifiers: Orphanet 774, MedGen C1838163, MONDO:0010880, OMIM 600376. Disease mechanism: loss of function.

Submission:

Labcorp Genetics (formerly Invitae), Labcorp
Classification: Pathogenic for Telangiectasia, hereditary hemorrhagic, type 2. Last evaluated: 2021-11-13. Review status: criteria provided, single submitter. Criteria: Invitae Variant Classification Sherloc (09022015). Collection method: clinical testing. Allele origin: germline.
Comment: For these reasons, this variant has been classified as Pathogenic. This variant disrupts a region of the ACVRL1 protein in which other variant(s) (p.Arg479*) have been determined to be pathogenic (PMID: 15024723, 15065824, 15517393, 15712271, 16429404, 16540754, 18673552, 21158752; 23722869)). This suggests that this is a clinically significant region of the protein, and that variants that disrupt it are likely to be disease-causing. This variant has not been reported in the literature in individuals affected with ACVRL1-related conditions. This variant is not present in population databases (gnomAD no frequency). This sequence change creates a premature translational stop signal (p.Tyr473*) in the ACVRL1 gene. While this is not anticipated to result in nonsense mediated decay, it is expected to disrupt the last 31 amino acid(s) of the ACVRL1 protein.

Literature cited by the submitters: PubMed 15024723; PubMed 15065824; PubMed 15517393; PubMed 15712271; PubMed 16429404; PubMed 16540754; PubMed 18673552; PubMed 21158752; PubMed 23722869.

NM_000020.3(ACVRL1):c.1419C>G (p.Tyr473Ter)

Gene: ACVRL1 (activin A receptor like type 1; plus strand). Cytogenetic location: 12q13.13.
Variant type: single nucleotide variant.
Coding change: c.1419C>G on transcript NM_000020.3 (MANE Select); coding-DNA position 1419, C replaced by G.
Protein change: p.Tyr473Ter; replaces tyrosine 473 with a stop codon.
Molecular consequence: nonsense.
Genome position (GRCh38, 1-based): chr12:51,920,800, C>G. VCF-style: chr12-51920800-C-G. GRCh37 (hg19) VCF-style: chr12-52314584-C-G.
Other names: c.1419C>G, p.Tyr473Ter (NM_001077401.2); short protein forms Y473*.
Identifiers: ClinVar variation 1387054 (VCV001387054.6), dbSNP rs1940955656, ClinGen allele CA384905548.